The following is an entry in ClinVar:

NM_032578.4(MYPN):c.645C>G (p.Ile215Met)

Gene: MYPN (myopalladin; plus strand). Cytogenetic location: 10q21.3.
Variant type: single nucleotide variant.
Coding change: c.645C>G on transcript NM_032578.4 (MANE Select); coding-DNA position 645, C replaced by G.
Protein change: p.Ile215Met; replaces isoleucine 215 with methionine.
Molecular consequence: missense variant. On other transcripts: 5 prime UTR variant (1), non-coding transcript variant (1).
Genome position (GRCh38, 1-based): chr10:68,122,083, C>G. VCF-style: chr10-68122083-C-G. GRCh37 (hg19) VCF-style: chr10-69881840-C-G.
Other names: c.645C>G, p.Ile215Met (NM_001256267.2); c.-478C>G (NM_001256268.2); short protein forms I215M.
Identifiers: ClinVar variation 3298134 (VCV003298134.3).

ClinVar aggregate classification (germline): Uncertain significance. Review status: criteria provided, multiple submitters, no conflicts (2 of 4 stars). 2 submissions from 2 submitters: Uncertain significance (2). Last evaluated 2026-06-23.

Conditions:
MYPN-related disorder. Also called: MYPN-related condition.
Cardiovascular phenotype. Identifiers: MedGen CN230736.

gnomAD v4.1: 5 of 1,614,216 alleles (0.00031%); highest among the groups gnomAD compares: Non-Finnish European, 0.00042%; no homozygotes.

Submissions (2):

PreventionGenetics, part of Exact Sciences
Classification: Uncertain significance for MYPN-related condition. Last evaluated: 2026-06-23. Review status: criteria provided, single submitter. Criteria: ACMG Guidelines, 2015. Collection method: clinical testing. Allele origin: germline.
Comment: The MYPN c.645C>G variant is predicted to result in the amino acid substitution p.Ile215Met. To our knowledge, this variant has not been reported in the literature. This variant is reported in 0.00088% of alleles in individuals of European (Non-Finnish) descent in gnomAD. At this time, the clinical significance of this variant is uncertain due to the absence of conclusive functional and genetic evidence.

Ambry Genetics
Classification: Uncertain significance for Cardiovascular phenotype. Last evaluated: 2025-08-09. Review status: criteria provided, single submitter. Criteria: Ambry Variant Classification Scheme 2023. Collection method: clinical testing. Allele origin: germline.